The following is an entry in ClinVar:

ClinVar aggregate classification (germline): Uncertain significance (1 of 4 stars; one submission).

Conditions:
Inborn genetic diseases. Identifiers: MedGen C0950123, MeSH D030342.

Allele frequency attached by ClinVar (database versions not stated): TOPMed below 0.00001.

Submission:

Ambry Genetics
Classification: Uncertain significance for Inborn genetic diseases. Last evaluated: 2023-11-28. Review status: criteria provided, single submitter. Criteria: Ambry Variant Classification Scheme 2023. Collection method: clinical testing. Allele origin: germline.
Comment: The c.1054C>G (p.R352G) alteration is located in coding exon 11 of the DLG4 gene. This alteration results from a C to G substitution at nucleotide position 1054, causing the arginine (R) at amino acid position 352 to be replaced by a glycine (G). This variant was not reported in population-based cohorts in the Genome Aggregation Database (gnomAD). This amino acid position is highly conserved in available vertebrate species. The in silico prediction for this alteration is inconclusive. Based on insufficient or conflicting evidence, the clinical significance of this alteration remains unclear.

NM_001321075.3(DLG4):c.925C>G (p.Arg309Gly)

Genes: DLG4 (discs large MAGUK scaffold protein 4; minus strand), LOC126862479 (MED14-independent group 3 enhancer GRCh37_chr17:7099412-7100611; plus strand). Cytogenetic location: 17p13.1.
Variant type: single nucleotide variant.
Coding change: c.925C>G on transcript NM_001321075.3 (MANE Select); coding-DNA position 925, C replaced by G.
Protein change: p.Arg309Gly; replaces arginine 309 with glycine.
Molecular consequence: missense variant. On other transcripts: non-coding transcript variant (1).
Genome position (GRCh38, 1-based): chr17:7,196,915, G>C on the plus strand (C>G on the coding strand, the complement: DLG4 is on the minus strand). VCF-style: chr17-7196915-G-C. GRCh37 (hg19) VCF-style: chr17-7100234-G-C.
Other names: c.916C>G, p.Arg306Gly (NM_001128827.4); c.1045C>G, p.Arg349Gly (NM_001321074.1); c.745C>G, p.Arg249Gly (NM_001321076.3, NM_001321077.3); c.1054C>G, p.Arg352Gly (NM_001365.5); c.844C>G, p.Arg282Gly (NM_001369566.3); short protein forms R249G, R349G, R352G, R282G, R306G, R309G.
Identifiers: ClinVar variation 3082785 (VCV003082785.1), dbSNP rs1182894684, ClinGen allele CA397716848.
Genomic context (GRCh38, chr17:7,196,915, plus strand): 5'-CCACGATGTTGAAGCCCAGGCCCGTGGAGCCCCGGTGGATCACAATTCGCCTCGGTTCTC[G>C]GGGAATGTCTTCCTCCCCGAGCAGGTCCTTGGCCACTGGAGAGTAGCGCCGAGGGGAAGT-3'
Protein context (NP_001308004.1, residues 299-319): KDLLGEEDIP[Arg309Gly]EPRRIVIHRG